The following is an entry in ClinVar:

NM_000373.4(UMPS):c.*1211C>A

Gene: UMPS (uridine monophosphate synthetase; plus strand). Cytogenetic location: 3q21.2.
Variant type: single nucleotide variant.
Coding change: c.*1211C>A on transcript NM_000373.4 (MANE Select); 1211 bases downstream of the stop codon, C replaced by A.
Molecular consequence: 3 prime UTR variant. On other transcripts: non-coding transcript variant (2).
Genome position (GRCh38, 1-based): chr3:124,745,295, C>A. VCF-style: chr3-124745295-C-A. GRCh37 (hg19) VCF-style: chr3-124464142-C-A.
Identifiers: ClinVar variation 342953 (VCV000342953.6), dbSNP rs11706118, ClinGen allele CA2581973.

ClinVar aggregate classification (germline): Benign. Review status: criteria provided, multiple submitters, no conflicts (2 of 4 stars). 2 submissions from 2 submitters: Benign (2). Last evaluated 2018-01-13.

Conditions:
Oroticaciduria. Also called: Orotic aciduria. Identifiers: Orphanet 30, MedGen C0268128, HP:0003218.

Allele frequency attached by ClinVar (database versions not stated): gnomAD 0.26464 and 0.26274; TOPMed 0.27281; ExAC 0.26090; 1000 Genomes Project 0.27177; gnomAD exomes 0.30297; 1000 Genomes Project 30x 0.26952.
gnomAD v4.1: 127,007 of 453,756 alleles (28%); highest among the groups gnomAD compares: East Asian, 41%; 18,762 homozygotes.

Submissions (2):

Illumina Laboratory Services, Illumina
Classification: Benign for Hereditary orotic aciduria. Last evaluated: 2018-01-13. Review status: criteria provided, single submitter. Criteria: ICSL Variant Classification Criteria 13 December 2019. Collection method: clinical testing. Allele origin: germline.
Comment: This variant was observed in the ICSL laboratory as part of a predisposition screen in an ostensibly healthy population. It had not been previously curated by ICSL or reported in the Human Gene Mutation Database (HGMD: prior to June 1st, 2018), and was therefore a candidate for classification through an automated scoring system. Utilizing variant allele frequency, disease prevalence and penetrance estimates, and inheritance mode, an automated score was calculated to assess if this variant is too frequent to cause the disease. Based on the score and internal cut-off values, a variant classified as benign is not then subjected to further curation. The score for this variant resulted in a classification of benign for this disease.

Breakthrough Genomics
Classification: Benign. Review status: criteria provided, single submitter. Criteria: ACMG Guidelines, 2015. Collection method: not provided. Allele origin: germline. Inheritance: Autosomal recessive inheritance. Affected: yes.